The following is an entry in ClinVar:

NM_001042492.3(NF1):c.5851C>G (p.Pro1951Ala)

Gene: NF1 (neurofibromin 1; plus strand). Cytogenetic location: 17q11.2.
Variant type: single nucleotide variant.
Coding change: c.5851C>G on transcript NM_001042492.3 (MANE Select); coding-DNA position 5851, C replaced by G.
Protein change: p.Pro1951Ala; replaces proline 1951 with alanine.
Molecular consequence: missense variant.
Genome position (GRCh38, 1-based): chr17:31,334,876, C>G. VCF-style: chr17-31334876-C-G. GRCh37 (hg19) VCF-style: chr17-29661894-C-G.
Other names: c.5788C>G, p.Pro1930Ala (NM_000267.4); short protein forms P1951A, P1930A.
Identifiers: ClinVar variation 457767 (VCV000457767.12), dbSNP rs1555534391, ClinGen allele CA399010639.

ClinVar aggregate classification (germline): Conflicting classifications of pathogenicity. Review status: criteria provided, conflicting classifications (1 of 4 stars). 3 submissions from 3 submitters: Uncertain significance (2); Likely benign (1). Last evaluated 2025-05-05.

Conditions:
Neurofibromatosis, type 1 (NF1). Also called: VON RECKLINGHAUSEN DISEASE; NEUROFIBROMATOSIS, TYPE I, SOMATIC; Peripheral type neurofibromatosis; Neurofibromatosis, type I. Identifiers: Orphanet 636, MedGen C0027831, MONDO:0018975, OMIM 162200. Disease mechanism: loss of function.
Cardiovascular phenotype. Identifiers: MedGen CN230736.
Hereditary cancer-predisposing syndrome. Also called: Hereditary Cancer Syndrome; Hereditary neoplastic syndrome; Tumor predisposition; Neoplastic Syndromes, Hereditary. Identifiers: Orphanet 140162, MedGen C0027672, MeSH D009386, MONDO:0015356.

Submissions (3):

Labcorp Genetics (formerly Invitae), Labcorp
Classification: Likely benign for Neurofibromatosis, type 1. Last evaluated: 2025-05-05. Review status: criteria provided, single submitter. Criteria: Invitae Variant Classification Sherloc (09022015). Collection method: clinical testing. Allele origin: germline.

Ambry Genetics
Classification: Uncertain significance for Cardiovascular phenotype; Hereditary cancer-predisposing syndrome. Last evaluated: 2025-03-06. Review status: criteria provided, single submitter. Criteria: Ambry Variant Classification Scheme 2023. Collection method: clinical testing. Allele origin: germline.
Comment: The p.P1930A variant (also known as c.5788C>G), located in coding exon 39 of the NF1 gene, results from a C to G substitution at nucleotide position 5788. The proline at codon 1930 is replaced by alanine, an amino acid with highly similar properties. This variant was detected in 1 of 1197 individuals with breast cancer who underwent genetic testing (Abdel-Razeq H et al. Front Oncol, 2022 Mar;12:673094). This amino acid position is highly conserved in available vertebrate species. In addition, this alteration is predicted to be deleterious by in silico analysis. Based on the available evidence, the clinical significance of this variant remains unclear.

St. Jude Molecular Pathology, St. Jude Children's Research Hospital
Classification: Uncertain significance for Neurofibromatosis, type 1. Last evaluated: 2024-08-09. Review status: criteria provided, single submitter. Criteria: St. Jude Assertion Criteria 2020. Collection method: clinical testing. Allele origin: germline.
Comment: The NF1 c.5788C>G (p.Pro1930Ala) missense change is absent in gnomAD v2.1.1. The in silico tool REVEL predicts a deleterious effect on protein function, but to our knowledge this prediction has not been confirmed by functional studies. To our knowledge, this variant has not been reported in individuals with Neurofibromatosis type 1. In summary, the evidence currently available is insufficient to determine the clinical significance of this variant. It has therefore been classified as of uncertain significance.

Literature cited by the submitters: PubMed 35402282 (cited by Ambry Genetics).